The following is an entry in ClinVar:

NM_024675.4(PALB2):c.1082C>A (p.Thr361Asn)

Gene: PALB2 (partner and localizer of BRCA2; minus strand). Cytogenetic location: 16p12.2.
Variant type: single nucleotide variant.
Coding change: c.1082C>A on transcript NM_024675.4 (MANE Select); coding-DNA position 1082, C replaced by A.
Protein change: p.Thr361Asn; replaces threonine 361 with asparagine.
Molecular consequence: missense variant.
Genome position (GRCh38, 1-based): chr16:23,635,464, G>T on the plus strand (C>A on the coding strand, the complement: PALB2 is on the minus strand). VCF-style: chr16-23635464-G-T. GRCh37 (hg19) VCF-style: chr16-23646785-G-T.
Other names: c.1082C>A (NM_024675.3); short protein forms T361N.
Identifiers: ClinVar variation 1438948 (VCV001438948.10), dbSNP rs1345668733, ClinGen allele CA395133937.

ClinVar aggregate classification (germline): Uncertain significance. Review status: criteria provided, multiple submitters, no conflicts (2 of 4 stars). 2 submissions from 2 submitters: Uncertain significance (2). Last evaluated 2024-11-24.

Conditions:
Hereditary cancer-predisposing syndrome. Also called: Neoplastic Syndromes, Hereditary; Hereditary Cancer Syndrome; Hereditary neoplastic syndrome; Tumor predisposition. Identifiers: Orphanet 140162, MedGen C0027672, MeSH D009386, MONDO:0015356.
Familial cancer of breast. Also called: hereditary breast carcinoma; BREAST CANCER, FAMILIAL; Hereditary breast cancer. Identifiers: Orphanet 227535, MedGen C0346153, MONDO:0016419, OMIM 114480. Disease mechanism: loss of function.

Submissions (2):

Ambry Genetics
Classification: Uncertain significance for Hereditary cancer-predisposing syndrome. Last evaluated: 2024-11-24. Review status: criteria provided, single submitter. Criteria: Ambry Variant Classification Scheme 2023. Collection method: clinical testing. Allele origin: germline.
Comment: The p.T361N variant (also known as c.1082C>A), located in coding exon 4 of the PALB2 gene, results from a C to A substitution at nucleotide position 1082. The threonine at codon 361 is replaced by asparagine, an amino acid with similar properties. This amino acid position is conserved. In addition, this alteration is predicted to be tolerated by in silico analysis. Based on the available evidence, the clinical significance of this variant remains unclear.

Labcorp Genetics (formerly Invitae), Labcorp
Classification: Uncertain significance for Familial cancer of breast. Last evaluated: 2020-12-01. Review status: criteria provided, single submitter. Criteria: Invitae Variant Classification Sherloc (09022015). Collection method: clinical testing. Allele origin: germline.
Comment: In summary, the available evidence is currently insufficient to determine the role of this variant in disease. Therefore, it has been classified as a Variant of Uncertain Significance. Algorithms developed to predict the effect of missense changes on protein structure and function (SIFT, PolyPhen-2, Align-GVGD) all suggest that this variant is likely to be tolerated, but these predictions have not been confirmed by published functional studies and their clinical significance is uncertain. This variant has not been reported in the literature in individuals with PALB2-related conditions. This variant is not present in population databases (ExAC no frequency). This sequence change replaces threonine with asparagine at codon 361 of the PALB2 protein (p.Thr361Asn). The threonine residue is weakly conserved and there is a small physicochemical difference between threonine and asparagine.